The following is an entry in ClinVar:

ClinVar aggregate classification (germline): Uncertain significance. Review status: criteria provided, multiple submitters, no conflicts (2 of 4 stars). 2 submissions from 2 submitters: Uncertain significance (2). Last evaluated 2025-05-28.

Conditions:
Inborn genetic diseases. Identifiers: MedGen C0950123, MeSH D030342.

Allele frequency attached by ClinVar (database versions not stated): TOPMed 0.00003; ExAC 0.00003; gnomAD 0.00001; gnomAD exomes 0.00002.
gnomAD v4.1: 27 of 1,614,044 alleles (0.0017%); highest among the groups gnomAD compares: Non-Finnish European, 0.00034%; no homozygotes.

Submissions (2):

Ambry Genetics
Classification: Uncertain significance for Inborn genetic diseases. Last evaluated: 2025-05-28. Review status: criteria provided, single submitter. Criteria: Ambry Variant Classification Scheme 2023. Collection method: clinical testing. Allele origin: germline.

Labcorp Genetics (formerly Invitae), Labcorp
Classification: Uncertain significance. Last evaluated: 2022-05-17. Review status: criteria provided, single submitter. Criteria: Invitae Variant Classification Sherloc (09022015). Collection method: clinical testing. Allele origin: germline.
Comment: This sequence change replaces cysteine, which is neutral and slightly polar, with glycine, which is neutral and non-polar, at codon 206 of the DENND5A protein (p.Cys206Gly). This variant is present in population databases (rs749522855, gnomAD 0.07%). This variant has not been reported in the literature in individuals affected with DENND5A-related conditions. Algorithms developed to predict the effect of missense changes on protein structure and function are either unavailable or do not agree on the potential impact of this missense change (SIFT: "Tolerated"; PolyPhen-2: "Possibly Damaging"; Align-GVGD: "Class C0"). In summary, the available evidence is currently insufficient to determine the role of this variant in disease. Therefore, it has been classified as a Variant of Uncertain Significance.

NM_015213.4(DENND5A):c.616T>G (p.Cys206Gly)

Gene: DENND5A (DENN domain containing 5A; minus strand). Cytogenetic location: 11p15.4.
Variant type: single nucleotide variant.
Coding change: c.616T>G on transcript NM_015213.4 (MANE Select); coding-DNA position 616, T replaced by G.
Protein change: p.Cys206Gly; replaces cysteine 206 with glycine.
Molecular consequence: missense variant. On other transcripts: non-coding transcript variant (1).
Genome position (GRCh38, 1-based): chr11:9,203,993, A>C on the plus strand (T>G on the coding strand, the complement: DENND5A is on the minus strand). VCF-style: chr11-9203993-A-C. GRCh37 (hg19) VCF-style: chr11-9225540-A-C.
Other names: c.616T>G, p.Cys206Gly (NM_001243254.2, NM_001348748.1); c.544T>G, p.Cys182Gly (NM_001348749.2); c.328T>G, p.Cys110Gly (NM_001348750.2); c.616T>G (NM_015213.3); short protein forms C182G, C206G, C110G.
Identifiers: ClinVar variation 1990468 (VCV001990468.2), dbSNP rs749522855, ClinGen allele CA5877782.
Genomic context (GRCh38, chr11:9,203,993, plus strand): 5'-GTTGCTCCAGCACGCTCCGACATGCCTTCATGAAAGACATGGGTGTGATGAGGCAGATGC[A>C]CTTAGAGACGTAGAGAGTGTCCCGGCTAATGTCATAGGAGTTGAAGCGCTGCAGTTTGGT-3'
Protein context (NP_056028.2, residues 196-216): ISRDTLYVSK[Cys206Gly]ICLITPMSFM